The following is an entry in ClinVar:

ClinVar aggregate classification (germline): Likely benign (1 of 4 stars; one submission).

Conditions:
IFT27-related disorder. Also called: IFT27-related condition.

gnomAD v4.1: 1 of 1,606,650 alleles (0.000062%); highest among the groups gnomAD compares: African/African-American, 0.0013%; no homozygotes.

Submission:

PreventionGenetics, part of Exact Sciences
Classification: Likely benign for IFT27-related condition. Last evaluated: 2024-10-09. Review status: criteria provided, single submitter. Criteria: ACMG Guidelines, 2015. Collection method: clinical testing. Allele origin: germline.
Comment: This variant is classified as likely benign based on ACMG/AMP sequence variant interpretation guidelines (Richards et al. 2015 PMID: 25741868, with internal and published modifications).

NM_001177701.3(IFT27):c.402C>T (p.Asp134=)

Genes: CACNG2-DT (CACNG2 divergent transcript; plus strand), IFT27 (intraflagellar transport 27; minus strand). Cytogenetic location: 22q12.3.
Variant type: single nucleotide variant.
Coding change: c.402C>T on transcript NM_001177701.3 (MANE Select); coding-DNA position 402, C replaced by T.
Protein change: p.Asp134=; no amino-acid change (aspartic acid 134 retained).
Molecular consequence: synonymous variant.
Genome position (GRCh38, 1-based): chr22:36,762,964, G>A on the plus strand (C>T on the coding strand, the complement: IFT27 is on the minus strand). VCF-style: chr22-36762964-G-A. GRCh37 (hg19) VCF-style: chr22-37159008-G-A.
Other names: c.402C>T, p.Asp134= (NM_001363003.2); c.399C>T, p.Asp133= (NM_006860.5).
Identifiers: ClinVar variation 4996758 (VCV004996758.1).